The following is an entry in ClinVar:

ClinVar aggregate classification (germline): Uncertain significance (1 of 4 stars; one submission).

Submission:

GeneDx
Classification: Uncertain significance. Last evaluated: 2024-12-26. Review status: criteria provided, single submitter. Criteria: GeneDx Variant Classification Process June 2021. Collection method: clinical testing. Allele origin: germline. Affected: yes.
Comment: Not observed at significant frequency in large population cohorts (gnomAD); In silico analysis supports that this missense variant has a deleterious effect on protein structure/function; Has not been previously published as pathogenic or benign to our knowledge

NM_170682.4(P2RX2):c.586A>G (p.Thr196Ala)

Gene: P2RX2 (purinergic receptor P2X 2; plus strand). Cytogenetic location: 12q24.33.
Variant type: single nucleotide variant.
Coding change: c.586A>G on transcript NM_170682.4 (MANE Select); coding-DNA position 586, A replaced by G.
Protein change: p.Thr196Ala; replaces threonine 196 with alanine.
Molecular consequence: missense variant.
Genome position (GRCh38, 1-based): chr12:132,620,298, A>G. VCF-style: chr12-132620298-A-G. GRCh37 (hg19) VCF-style: chr12-133196884-A-G.
Other names: c.479A>G, p.His160Arg (NM_001282164.2); c.586A>G, p.Thr196Ala (NM_001282165.2, NM_170683.4, NM_174873.3); c.370A>G, p.Thr124Ala (NM_012226.5); c.514A>G, p.Thr172Ala (NM_016318.4); c.310A>G, p.Thr104Ala (NM_174872.3); short protein forms H160R, T104A, T124A, T172A, T196A.
Identifiers: ClinVar variation 3907847 (VCV003907847.1).